The following is an entry in ClinVar:

NM_000368.5(TSC1):c.518delinsAG (p.Ala173fs)

Gene: TSC1 (TSC complex subunit 1; minus strand). Cytogenetic location: 9q34.13.
Variant type: Indel.
Coding change: c.518delinsAG on transcript NM_000368.5 (MANE Select); coding-DNA position 518, C replaced by AG.
Protein change: p.Ala173fs; shifts the reading frame from alanine 173.
Molecular consequence: frameshift variant. On other transcripts: 5 prime UTR variant (5), non-coding transcript variant (5).
Genome position (GRCh38, 1-based): chr9:132,921,964, G replaced by CT on the plus strand (C replaced by AG on the coding strand, the reverse complement: TSC1 is on the minus strand). VCF-style: chr9-132921964-G-CT. GRCh37 (hg19) VCF-style: chr9-135797351-G-CT.
Other names: c.518delinsAG, p.Ala173fs (NM_001162426.2, NM_001406592.1, NM_001406593.1 and 16 more transcripts); c.365delinsAG, p.Ala122fs (NM_001162427.2, NM_001406610.1, NM_001406611.1 and 2 more transcripts); c.155delinsAG, p.Ala52fs (NM_001362177.2, NM_001406614.1, NM_001406615.1 and 10 more transcripts); c.-360delinsAG (NM_001406626.1, NM_001406627.1, NM_001406628.1); c.-502delinsAG (NM_001406629.1); c.-576delinsAG (NM_001406630.1); short protein forms A122fs, A173fs, A52fs.
Identifiers: ClinVar variation 4554628 (VCV004554628.1).

ClinVar aggregate classification (germline): Pathogenic (1 of 4 stars; one submission).

Conditions:
Hereditary cancer-predisposing syndrome. Also called: Tumor predisposition; Hereditary Cancer Syndrome; Hereditary neoplastic syndrome; Neoplastic Syndromes, Hereditary. Identifiers: Orphanet 140162, MedGen C0027672, MeSH D009386, MONDO:0015356.

Submission:

Ambry Genetics
Classification: Pathogenic for Hereditary cancer-predisposing syndrome. Last evaluated: 2025-12-03. Review status: criteria provided, single submitter. Criteria: Ambry Variant Classification Scheme 2023. Collection method: clinical testing. Allele origin: germline.
Comment: The c.518delCinsAG variant, located in coding exon 5 of the TSC1 gene, results from the deletion of one nucleotide and insertion of two nucleotides causing a translational frameshift with a predicted alternate stop codon (p.A173Efs*45). This variant is considered to be rare based on population cohorts in the Genome Aggregation Database (gnomAD). This alteration is expected to result in loss of function by premature protein truncation or nonsense-mediated mRNA decay. As such, this alteration is interpreted as a disease-causing mutation.